The following is an entry in ClinVar:

ClinVar aggregate classification (germline): Uncertain significance. Review status: criteria provided, multiple submitters, no conflicts (2 of 4 stars). 2 submissions from 2 submitters: Uncertain significance (2). Last evaluated 2023-10-02.

Conditions:
Autosomal recessive limb-girdle muscular dystrophy type 2J (LGMDR10). Also called: Limb-girdle muscular dystrophy, type 2J; MUSCULAR DYSTROPHY, LIMB-GIRDLE, AUTOSOMAL RECESSIVE 10. Identifiers: Orphanet 140922, MedGen C1837342, MONDO:0012127, OMIM 608807.
Dilated cardiomyopathy 1G (CMD1G). Identifiers: Orphanet 154, MedGen C1858763, MONDO:0011400, OMIM 604145.
TTN-related disorder. Also called: TTN-related condition; TTN-related disease; TTN-related disorders.

Allele frequency attached by ClinVar (database versions not stated): gnomAD 0.00001; TOPMed 0.00001.
gnomAD v4.1: 1 of 1,611,384 alleles (0.000062%); highest among the groups gnomAD compares: Non-Finnish European, 0.000085%; no homozygotes.

Submissions (2):

PreventionGenetics, part of Exact Sciences
Classification: Uncertain significance for TTN-related condition. Last evaluated: 2023-10-02. Review status: criteria provided, single submitter. Criteria: ACMG Guidelines, 2015. Collection method: clinical testing. Allele origin: germline.
Comment: The TTN c.32005C>T variant is predicted to result in the amino acid substitution p.Pro10669Ser. To our knowledge, this variant has not been reported in the literature or in a large population database, indicating this variant is rare. At this time, the clinical significance of this variant is uncertain due to the absence of conclusive functional and genetic evidence.

Labcorp Genetics (formerly Invitae), Labcorp
Classification: Uncertain significance for Dilated cardiomyopathy 1G; Autosomal recessive limb-girdle muscular dystrophy type 2J. Last evaluated: 2017-05-18. Review status: criteria provided, single submitter. Criteria: Invitae Variant Classification Sherloc (09022015). Collection method: clinical testing. Allele origin: germline.

NM_001267550.2(TTN):c.32005C>T (p.Pro10669Ser)

Gene: TTN (titin; minus strand). Cytogenetic location: 2q31.2.
Variant type: single nucleotide variant.
Coding change: c.32005C>T on transcript NM_001267550.2 (MANE Select); coding-DNA position 32005, C replaced by T.
Protein change: p.Pro10669Ser; replaces proline 10669 with serine.
Molecular consequence: missense variant. On other transcripts: intron variant (3).
Genome position (GRCh38, 1-based): chr2:178,689,296, G>A on the plus strand (C>T on the coding strand, the complement: TTN is on the minus strand). VCF-style: chr2-178689296-G-A. GRCh37 (hg19) VCF-style: chr2-179554023-G-A.
Other names: c.31054C>T, p.Pro10352Ser (NM_001256850.1); c.28273C>T, p.Pro9425Ser (NM_133378.4); c.13283-46979C>T (NM_003319.4); c.13859-46979C>T (NM_133437.4); c.13658-46979C>T (NM_133432.3); short protein forms P10669S, P9425S, P10352S.
Identifiers: ClinVar variation 467010 (VCV000467010.4), dbSNP rs945424720, ClinGen allele CA60988157.